The following is an entry in ClinVar:

ClinVar aggregate classification (germline): Uncertain significance (1 of 4 stars; one submission).

Conditions:
Hereditary pheochromocytoma and paraganglioma. Also called: Hereditary paragangliomas and pheochromocytomas; Hereditary pheochromocytoma-paraganglioma; Hereditary Paraganglioma-Pheochromocytoma Syndromes. Identifiers: Orphanet 29072, MedGen C4274332, MONDO:0017366.

Allele frequency attached by ClinVar (database versions not stated): gnomAD exomes below 0.00001; gnomAD 0.00002; TOPMed 0.00002.
gnomAD v4.1: 4 of 1,613,858 alleles (0.00025%); highest among the groups gnomAD compares: Admixed American, 0.0067%; no homozygotes.

Submission:

Labcorp Genetics (formerly Invitae), Labcorp
Classification: Uncertain significance for Hereditary pheochromocytoma and paraganglioma. Last evaluated: 2020-03-04. Review status: criteria provided, single submitter. Criteria: Invitae Variant Classification Sherloc (09022015). Collection method: clinical testing. Allele origin: germline.
Comment: In summary, the available evidence is currently insufficient to determine the role of this variant in disease. Therefore, it has been classified as a Variant of Uncertain Significance. Algorithms developed to predict the effect of missense changes on protein structure and function are either unavailable or do not agree on the potential impact of this missense change (SIFT: "Deleterious"; PolyPhen-2: "Benign"; Align-GVGD: "Class C35"). This variant has not been reported in the literature in individuals with TMEM127-related conditions. This variant is not present in population databases (ExAC no frequency). This sequence change replaces glutamic acid with aspartic acid at codon 205 of the TMEM127 protein (p.Glu205Asp). The glutamic acid residue is highly conserved and there is a small physicochemical difference between glutamic acid and aspartic acid.

NM_017849.4(TMEM127):c.615G>C (p.Glu205Asp)

Gene: TMEM127 (transmembrane protein 127; minus strand). Cytogenetic location: 2q11.2.
Variant type: single nucleotide variant.
Coding change: c.615G>C on transcript NM_017849.4 (MANE Select); coding-DNA position 615, G replaced by C.
Protein change: p.Glu205Asp; replaces glutamic acid 205 with aspartic acid.
Molecular consequence: missense variant.
Genome position (GRCh38, 1-based): chr2:96,253,910, C>G on the plus strand (G>C on the coding strand, the complement: TMEM127 is on the minus strand). VCF-style: chr2-96253910-C-G. GRCh37 (hg19) VCF-style: chr2-96919648-C-G.
Other names: c.615G>C, p.Glu205Asp (NM_001193304.3); short protein forms E205D.
Identifiers: ClinVar variation 1058090 (VCV001058090.9), dbSNP rs1434849865, ClinGen allele CA347651919.